The following is an entry in ClinVar:

ClinVar aggregate classification (germline): Conflicting classifications of pathogenicity. Review status: criteria provided, conflicting classifications (1 of 4 stars). 11 submissions from 11 submitters: Uncertain significance (6); Likely benign (4). 1 of the submissions does not count toward it. Last evaluated 2026-09-01.

Conditions:
CHEK2-related disorder.
Prostate cancer. Also called: Malignant tumor of prostate. Identifiers: Orphanet 1331, MedGen C0376358, MONDO:0008315, HP:0012125.
Bone osteosarcoma. Also called: Osteosarcoma, somatic. Identifiers: Orphanet 668, MedGen C0585442, MONDO:0002629, OMIM 259500.
Familial cancer of breast. Also called: Hereditary breast cancer; hereditary breast carcinoma; BREAST CANCER, FAMILIAL. Identifiers: Orphanet 227535, MedGen C0346153, MONDO:0016419, OMIM 114480. Disease mechanism: loss of function.
CHEK2-related cancer predisposition (TPDS4). Also called: CHEK2-related cancer susceptibility; TUMOR PREDISPOSITION SYNDROME 4; CANCER PREDISPOSITION SYNDROME, CHEK2-RELATED. Identifiers: Orphanet 524, MedGen C5882668, MONDO:0700271, OMIM 609265.
Hereditary cancer-predisposing syndrome. Also called: Neoplastic Syndromes, Hereditary; Tumor predisposition; Hereditary neoplastic syndrome; Hereditary Cancer Syndrome. Identifiers: Orphanet 140162, MedGen C0027672, MeSH D009386, MONDO:0015356.

Allele frequency attached by ClinVar (database versions not stated): gnomAD 0.00001; gnomAD exomes 0.00002 and 0.00009; ExAC 0.00004; TOPMed 0.00005.
gnomAD v4.1: 26 of 1,593,670 alleles (0.0016%); highest among the groups gnomAD compares: Admixed American, 0.042%; no homozygotes.

Submissions (11):

CeGaT Center for Human Genetics Tuebingen
Classification: Likely benign. Last evaluated: 2026-09-01. Review status: criteria provided, single submitter. Criteria: CeGaT Center For Human Genetics Tuebingen Variant Classification Criteria Version 2. Collection method: clinical testing. Allele origin: germline. Affected: yes. Observed: 1 variant allele.
Comment: CHEK2: BP1, BP4, BS1:Supporting, BS3:Supporting

PreventionGenetics, part of Exact Sciences
Classification: Uncertain significance for CHEK2-related condition. Last evaluated: 2026-06-18. Review status: criteria provided, single submitter. Criteria: ACMG Guidelines, 2015. Collection method: clinical testing. Allele origin: germline.
Comment: The CHEK2 c.1534C>G variant is predicted to result in the amino acid substitution p.Leu512Val. This variant has been reported individuals with breast cancer (Le Calvez-Kelm et al. 2011, Table S1. PubMed ID: 21244692; Tung et al. 2014. PubMed ID: 25186627). This variant is reported in 0.06% of alleles in individuals of Latino descent in gnomAD and has conflicting interpretations in ClinVar ranging from likely benign to uncertain (Variation: 141856). Experimental studies provide conflicting information regarding the impact of this variant on CHEK2 protein function (Stolarova et al. 2023. PubMed ID: 37449874; Delimitsou et al. 2019. PubMed ID: 30851065). Although we suspect that this variant may be benign, at this time, the clinical significance of this variant is uncertain due to the absence of conclusive functional and genetic evidence.

Labcorp Genetics (formerly Invitae), Labcorp
Classification: Uncertain significance for Familial cancer of breast. Last evaluated: 2026-02-03. Review status: criteria provided, single submitter. Criteria: Invitae Variant Classification Sherloc (09022015). Collection method: clinical testing. Allele origin: germline.
Comment: This sequence change replaces leucine, which is neutral and non-polar, with valine, which is neutral and non-polar, at codon 512 of the CHEK2 protein (p.Leu512Val). This variant is present in population databases (rs17882942, gnomAD 0.06%), and has an allele count higher than expected for a pathogenic variant. This missense change has been observed in individual(s) with breast cancer (PMID: 21244692, 25186627). ClinVar contains an entry for this variant (Variation ID: 141856). An algorithm developed to predict the effect of missense changes on protein structure and function (PolyPhen-2) suggests that this variant is likely to be tolerated. Experimental studies are conflicting or provide insufficient evidence to determine the effect of this variant on CHEK2 function (PMID: 30851065, 37449874). In summary, the available evidence is currently insufficient to determine the role of this variant in disease. Therefore, it has been classified as a Variant of Uncertain Significance.

Quest Diagnostics Nichols Institute San Juan Capistrano
Classification: Uncertain significance. Last evaluated: 2025-03-12. Review status: criteria provided, single submitter. Criteria: Quest Diagnostics criteria. Collection method: clinical testing. Allele origin: unknown.
Comment: The CHEK2 c.1534C>G (p.Leu512Val) variant has been reported in the published literature in individuals affected with breast cancer (PMID: 21244692 (2011), 25186627 (2015), 31206626 (2019)), colorectal cancer (PMID: 28944238 (2017)), and in reportedly healthy individuals (PMID: 31206626 (2019)). Assessment of experimental evidence regarding the effect of this variant on protein function suggests it has no effect relevant to disease (PMID: 37449874 (2023), 30851065 (2019)). The frequency of this variant in the general population (Genome Aggregation Database) is uninformative in the assessment of its pathogenicity. Analysis of this variant using bioinformatics tools for the prediction of the effect of amino acid changes on protein structure and function yielded predictions that this variant is benign. Based on the available information, we are unable to determine the clinical significance of this variant.

Ambry Genetics
Classification: Likely benign for Hereditary cancer-predisposing syndrome. Last evaluated: 2024-10-18. Review status: criteria provided, single submitter. Criteria: Ambry Variant Classification Scheme 2023. Collection method: clinical testing. Allele origin: germline.

Women's Health and Genetics/Laboratory Corporation of America, LabCorp
Classification: Uncertain significance. Last evaluated: 2024-09-09. Review status: criteria provided, single submitter. Criteria: LabCorp Variant Classification Summary - May 2015. Collection method: clinical testing. Allele origin: germline.
Comment: Variant summary: CHEK2 c.1534C>G (p.Leu512Val) results in a conservative amino acid change in the encoded protein sequence. Five of five in-silico tools predict a benign effect of the variant on protein function. The variant allele was found at a frequency of 8.5e-05 in 235842 control chromosomes (gnomAD). This frequency is not significantly higher than estimated for a pathogenic variant in CHEK2 causing Breast Cancer (8.5e-05 vs 0.00031), allowing no conclusion about variant significance. c.1534C>G has been reported in the literature in individuals affected with Breast Cancer as well as in controls (Calvez-Kelm_2011, Young_2015, Weitzel_2019). These reports do not provide unequivocal conclusions about association of the variant with Breast Cancer. At least one publication reports experimental evidence evaluating an impact on protein function, however, does not allow convincing conclusions about the variant effect (Delimitsou_2019). The following publications have been ascertained in the context of this evaluation (PMID: 16671833, 21244692, 30851065, 37449874, 31206626, 26787654). ClinVar contains an entry for this variant (Variation ID: 141856). Based on the evidence outlined above, the variant was classified as VUS-possibly benign.

GeneDx
Classification: Uncertain significance. Last evaluated: 2024-06-05. Review status: criteria provided, single submitter. Criteria: GeneDx Variant Classification Process June 2021. Collection method: clinical testing. Allele origin: germline. Affected: yes.
Comment: Published functional studies demonstrate no damaging effect: normal growth in response to DNA damage (PMID: 30851065); Not observed at significant frequency in large population cohorts (gnomAD); In silico analysis indicates that this missense variant does not alter protein structure/function; Observed in individuals with a personal history of breast cancer (PMID: 21244692, 25186627); This variant is associated with the following publications: (PMID: 21244692, 26787654, 27527004, 16671833, 25186627, 31398194, 31106920, 30851065)

Myriad Genetics, Inc.
Classification: Likely benign for Familial cancer of breast. Last evaluated: 2023-03-09. Review status: criteria provided, single submitter. Criteria: Myriad Autosomal Dominant, Autosomal Recessive and X-Linked Classification Criteria (2023). Collection method: clinical testing. Allele origin: unknown.
Comment: This variant is considered likely benign. This variant is strongly associated with less severe personal and family histories of cancer, typical for individuals without pathogenic variants in this gene [PMID: 25085752].

Fulgent Genetics
Classification: Uncertain significance for Familial cancer of breast; Familial prostate cancer; Bone osteosarcoma; CHEK2-related cancer predisposition. Last evaluated: 2018-10-31. Review status: criteria provided, single submitter. Criteria: ACMG Guidelines, 2015. Collection method: clinical testing. Allele origin: unknown.

Color Diagnostics, LLC DBA Color Health
Classification: Likely benign for Hereditary cancer-predisposing syndrome. Last evaluated: 2016-06-28. Review status: criteria provided, single submitter. Criteria: ACMG Guidelines, 2015. Collection method: clinical testing. Allele origin: germline.

Counsyl
Classification: Uncertain significance for Familial cancer of breast. Last evaluated: 2016-03-29. Review status: no assertion criteria provided. Collection method: clinical testing. Allele origin: unknown. Not counted in ClinVar's aggregate classification.

Literature cited by the submitters: PubMed 21244692 (cited by 5 submitters); PubMed 25186627 (cited by Labcorp Genetics (formerly Invitae), Labcorp and Quest Diagnostics Nichols Institute San Juan Capistrano); PubMed 30851065 (cited by 4 submitters); PubMed 37449874 (cited by 4 submitters); PubMed 26787654 (cited by 4 submitters); PubMed 31206626 (cited by 3 submitters); PubMed 28944238 (cited by Quest Diagnostics Nichols Institute San Juan Capistrano and Ambry Genetics); PubMed 35643632 (cited by Quest Diagnostics Nichols Institute San Juan Capistrano and Ambry Genetics); PubMed 16671833 (cited by Women's Health and Genetics/Laboratory Corporation of America, LabCorp); PubMed 25085752 (cited by Myriad Genetics, Inc.).

NM_007194.4(CHEK2):c.1534C>G (p.Leu512Val)

Gene: CHEK2 (checkpoint kinase 2; minus strand). Cytogenetic location: 22q12.1.
Variant type: single nucleotide variant.
Coding change: c.1534C>G on transcript NM_007194.4 (MANE Select); coding-DNA position 1534, C replaced by G.
Protein change: p.Leu512Val; replaces leucine 512 with valine.
Molecular consequence: missense variant.
Genome position (GRCh38, 1-based): chr22:28,689,143, G>C on the plus strand (C>G on the coding strand, the complement: CHEK2 is on the minus strand). VCF-style: chr22-28689143-G-C. GRCh37 (hg19) VCF-style: chr22-29085131-G-C.
Other names: c.1663C>G, p.Leu555Val (NM_001005735.3); c.871C>G, p.Leu291Val (NM_001257387.3); c.1333C>G, p.Leu445Val (NM_001349956.3); c.1447C>G, p.Leu483Val (NM_145862.3); short protein forms L512V, L291V, L445V, L483V, L555V.
Identifiers: ClinVar variation 141856 (VCV000141856.38), dbSNP rs17882942, ClinGen allele CA166627.